The following is an entry in ClinVar:

ClinVar aggregate classification (germline): Uncertain significance (1 of 4 stars; one submission).

Conditions:
MYH9-related disorder. Identifiers: MedGen C1854520.

gnomAD v4.1: 15 of 1,612,772 alleles (0.00093%); highest among the groups gnomAD compares: South Asian, 0.0066%; no homozygotes.

Submission:

PreventionGenetics, part of Exact Sciences
Classification: Uncertain significance for MYH9-related condition. Last evaluated: 2026-02-22. Review status: criteria provided, single submitter. Criteria: ACMG Guidelines, 2015. Collection method: clinical testing. Allele origin: germline.
Comment: The MYH9 c.5572G>A variant is predicted to result in the amino acid substitution p.Ala1858Thr. To our knowledge, this variant has not been reported in the literature. This variant is reported in 0.0033% of alleles in individuals of South Asian descent in gnomAD. At this time, the clinical significance of this variant is uncertain due to the absence of conclusive functional and genetic evidence.

NM_002473.6(MYH9):c.5572G>A (p.Ala1858Thr)

Gene: MYH9 (myosin heavy chain 9; minus strand). Cytogenetic location: 22q12.3.
Variant type: single nucleotide variant.
Coding change: c.5572G>A on transcript NM_002473.6 (MANE Select); coding-DNA position 5572, G replaced by A.
Protein change: p.Ala1858Thr; replaces alanine 1858 with threonine.
Molecular consequence: missense variant.
Genome position (GRCh38, 1-based): chr22:36,284,423, C>T on the plus strand (G>A on the coding strand, the complement: MYH9 is on the minus strand). VCF-style: chr22-36284423-C-T. GRCh37 (hg19) VCF-style: chr22-36680469-C-T.
Other names: short protein forms A1858T.
Identifiers: ClinVar variation 4979867 (VCV004979867.1).